The following is an entry in ClinVar:

ClinVar aggregate classification (germline): Uncertain significance. Review status: criteria provided, multiple submitters, no conflicts (2 of 4 stars). 2 submissions from 2 submitters: Uncertain significance (2). Last evaluated 2024-02-24.

Conditions:
Renal carnitine transport defect (CDSP). Also called: Systemic primary carnitine deficiency disease; CARNITINE DEFICIENCY, SYSTEMIC, DUE TO DEFECT IN RENAL REABSORPTION OF CARNITINE; CARNITINE TRANSPORTER, PLASMA-MEMBRANE, DEFICIENCY OF; CARNITINE UPTAKE DEFECT; Systemic primary carnitine deficiency; Carnitine transporter deficiency. Identifiers: Orphanet 158, MedGen C0342788, MONDO:0008919, OMIM 212140.

Submissions (2):

Labcorp Genetics (formerly Invitae), Labcorp
Classification: Uncertain significance for Renal carnitine transport defect. Last evaluated: 2024-02-24. Review status: criteria provided, single submitter. Criteria: Invitae Variant Classification Sherloc (09022015). Collection method: clinical testing. Allele origin: germline.
Comment: This sequence change replaces arginine, which is basic and polar, with glycine, which is neutral and non-polar, at codon 298 of the SLC22A5 protein (p.Arg298Gly). This variant is present in population databases (rs755114089, gnomAD 0.003%). This variant has not been reported in the literature in individuals affected with SLC22A5-related conditions. ClinVar contains an entry for this variant (Variation ID: 1707697). Advanced modeling of protein sequence and biophysical properties (such as structural, functional, and spatial information, amino acid conservation, physicochemical variation, residue mobility, and thermodynamic stability) performed at Invitae indicates that this missense variant is expected to disrupt SLC22A5 protein function with a positive predictive value of 95%. In summary, the available evidence is currently insufficient to determine the role of this variant in disease. Therefore, it has been classified as a Variant of Uncertain Significance.

Giacomini Lab, University of California, San Francisco
Classification: Uncertain significance for Renal carnitine transport defect. Last evaluated: 2022-10-03. Review status: criteria provided, single submitter. Criteria: ACMG Guidelines, 2015. Collection method: research, in vitro. Allele origin: germline, not applicable.

NM_003060.4(SLC22A5):c.892C>G (p.Arg298Gly)

Gene: SLC22A5 (solute carrier family 22 member 5; plus strand). Cytogenetic location: 5q31.1.
Variant type: single nucleotide variant.
Coding change: c.892C>G on transcript NM_003060.4 (MANE Select); coding-DNA position 892, C replaced by G.
Protein change: p.Arg298Gly; replaces arginine 298 with glycine.
Molecular consequence: missense variant.
Genome position (GRCh38, 1-based): chr5:132,387,092, C>G. VCF-style: chr5-132387092-C-G. GRCh37 (hg19) VCF-style: chr5-131722784-C-G.
Other names: p.Arg298Gly; c.964C>G, p.Arg322Gly (NM_001308122.2); short protein forms R298G, R322G.
Identifiers: ClinVar variation 1707697 (VCV001707697.6), dbSNP rs755114089, ClinGen allele CA3404005.